The following is an entry in ClinVar:

NM_152594.3(SPRED1):c.*2018T>G

Gene: SPRED1 (sprouty related EVH1 domain containing 1; plus strand). Cytogenetic location: 15q14.
Variant type: single nucleotide variant.
Coding change: c.*2018T>G on transcript NM_152594.3 (MANE Select); 2018 bases downstream of the stop codon, T replaced by G.
Molecular consequence: 3 prime UTR variant.
Genome position (GRCh38, 1-based): chr15:38,353,682, T>G. VCF-style: chr15-38353682-T-G. GRCh37 (hg19) VCF-style: chr15-38645883-T-G.
Identifiers: ClinVar variation 885297 (VCV000885297.4), dbSNP rs188392935, ClinGen allele CA269293661.

ClinVar aggregate classification (germline): Likely benign (1 of 4 stars; one submission).

Conditions:
Legius syndrome. Identifiers: Orphanet 137605, MedGen C1969623, MONDO:0012669, OMIM 611431. Disease mechanism: loss of function.

Allele frequency attached by ClinVar (database versions not stated): gnomAD 0.00016 and 0.00023; TOPMed 0.00020; 1000 Genomes Project 0.00140; 1000 Genomes Project 30x 0.00156.

Submission:

Illumina Laboratory Services, Illumina
Classification: Likely benign for Legius syndrome. Last evaluated: 2018-01-13. Review status: criteria provided, single submitter. Criteria: ICSL Variant Classification Criteria 13 December 2019. Collection method: clinical testing. Allele origin: germline.
Comment: This variant was observed in the ICSL laboratory as part of a predisposition screen in an ostensibly healthy population. It had not been previously curated by ICSL or reported in the Human Gene Mutation Database (HGMD: prior to June 1st, 2018), and was therefore a candidate for classification through an automated scoring system. Utilizing variant allele frequency, disease prevalence and penetrance estimates, and inheritance mode, an automated score was calculated to assess if this variant is too frequent to cause the disease. Based on the score and internal cut-off values, a variant classified as likely benign is not then subjected to further curation. The score for this variant resulted in a classification of likely benign for this disease.